The following is an entry in ClinVar:

NM_015450.3(POT1):c.1025A>T (p.Tyr342Phe)

Gene: POT1 (protection of telomeres 1; minus strand). Cytogenetic location: 7q31.33.
Variant type: single nucleotide variant.
Coding change: c.1025A>T on transcript NM_015450.3 (MANE Select); coding-DNA position 1025, A replaced by T.
Protein change: p.Tyr342Phe; replaces tyrosine 342 with phenylalanine.
Molecular consequence: missense variant. On other transcripts: non-coding transcript variant (3).
Genome position (GRCh38, 1-based): chr7:124,842,945, T>A on the plus strand (A>T on the coding strand, the complement: POT1 is on the minus strand). VCF-style: chr7-124842945-T-A. GRCh37 (hg19) VCF-style: chr7-124482999-T-A.
Other names: c.632A>T, p.Tyr211Phe (NM_001042594.2); short protein forms Y211F, Y342F.
Identifiers: ClinVar variation 1769280 (VCV001769280.8), dbSNP rs1178219050, ClinGen allele CA369068599.

ClinVar aggregate classification (germline): Conflicting classifications of pathogenicity. Review status: criteria provided, conflicting classifications (1 of 4 stars). 2 submissions from 2 submitters: Uncertain significance (1); Likely benign (1). Last evaluated 2025-07-24.

Conditions:
Tumor predisposition syndrome 3 (TPDS3). Also called: Melanoma, cutaneous malignant, susceptibility to, 10; Glioma susceptibility 9; LONG TELOMERE SYNDROME, POT1-RELATED; POT1 Tumor Predisposition. Identifiers: Orphanet 618, MedGen C4014476, MONDO:0014368, OMIM 615848.
Hereditary cancer-predisposing syndrome. Also called: Hereditary Cancer Syndrome; Hereditary neoplastic syndrome; Neoplastic Syndromes, Hereditary; Tumor predisposition. Identifiers: Orphanet 140162, MedGen C0027672, MeSH D009386, MONDO:0015356.

Allele frequency attached by ClinVar (database versions not stated): gnomAD exomes below 0.00001.
gnomAD v4.1: 3 of 1,587,556 alleles (0.00019%); highest among the groups gnomAD compares: East Asian, 0.0068%; no homozygotes.

Submissions (2):

Ambry Genetics
Classification: Likely benign for Hereditary cancer-predisposing syndrome. Last evaluated: 2025-07-24. Review status: criteria provided, single submitter. Criteria: Ambry Variant Classification Scheme 2023. Collection method: clinical testing. Allele origin: germline.

Labcorp Genetics (formerly Invitae), Labcorp
Classification: Uncertain significance for Tumor predisposition syndrome 3. Last evaluated: 2022-02-19. Review status: criteria provided, single submitter. Criteria: Invitae Variant Classification Sherloc (09022015). Collection method: clinical testing. Allele origin: germline.
Comment: In summary, the available evidence is currently insufficient to determine the role of this variant in disease. Therefore, it has been classified as a Variant of Uncertain Significance. Algorithms developed to predict the effect of missense changes on protein structure and function (SIFT, PolyPhen-2, Align-GVGD) all suggest that this variant is likely to be tolerated. This variant has not been reported in the literature in individuals affected with POT1-related conditions. This variant is present in population databases (no rsID available, gnomAD 0.01%). This sequence change replaces tyrosine, which is neutral and polar, with phenylalanine, which is neutral and non-polar, at codon 342 of the POT1 protein (p.Tyr342Phe).